The following is an entry in ClinVar:

NM_000237.3(LPL):c.942del (p.Tyr315fs)

Gene: LPL (lipoprotein lipase; plus strand). Cytogenetic location: 8p21.3.
Variant type: Deletion.
Coding change: c.942del on transcript NM_000237.3 (MANE Select); coding-DNA position 942, one base deleted (C; older notation c.942delC).
Protein change: p.Tyr315fs; shifts the reading frame from tyrosine 315.
Molecular consequence: frameshift variant.
Genome position (GRCh38, 1-based): chr8:19,956,007, C deleted. VCF-style (leftmost placement, unchanged base first): chr8-19956006-GC-G. GRCh37 (hg19) VCF-style: chr8-19813517-GC-G.
Other names: short protein forms Y315fs.
Identifiers: ClinVar variation 2026484 (VCV002026484.4), dbSNP rs2540107246, ClinGen allele CA2580078056.

ClinVar aggregate classification (germline): Pathogenic (1 of 4 stars; one submission).

Submission:

Labcorp Genetics (formerly Invitae), Labcorp
Classification: Pathogenic. Last evaluated: 2022-09-26. Review status: criteria provided, single submitter. Criteria: Invitae Variant Classification Sherloc (09022015). Collection method: clinical testing. Allele origin: germline.
Comment: This variant has not been reported in the literature in individuals affected with LPL-related conditions. This sequence change creates a premature translational stop signal (p.Tyr315Metfs*16) in the LPL gene. It is expected to result in an absent or disrupted protein product. Loss-of-function variants in LPL are known to be pathogenic (PMID: 11334614). This variant is not present in population databases (gnomAD no frequency). For these reasons, this variant has been classified as Pathogenic.

Literature cited by the submitters: PubMed 11334614.